The following is an entry in ClinVar:

ClinVar aggregate classification (germline): Likely benign. Review status: criteria provided, single submitter (1 of 4 stars). 2 submissions from 2 submitters: Likely benign (1). 1 of the submissions does not count toward it. Last evaluated 2024-03-01.

Conditions:
FREM2-related disorder. Also called: FREM2-related condition.

gnomAD v4.1: 1 of 1,614,090 alleles (0.000062%); highest among the groups gnomAD compares: Non-Finnish European, 0.000085%; no homozygotes.

Submissions (2):

Labcorp Genetics (formerly Invitae), Labcorp
Classification: Likely benign. Last evaluated: 2024-03-01. Review status: criteria provided, single submitter. Criteria: Invitae Variant Classification Sherloc (09022015). Collection method: clinical testing. Allele origin: germline.

PreventionGenetics, part of Exact Sciences
Classification: Likely benign for FREM2-related condition. Last evaluated: 2022-06-14. Review status: no assertion criteria provided. Collection method: clinical testing. Allele origin: germline. Not counted in ClinVar's aggregate classification.
Comment: This variant is classified as likely benign based on ACMG/AMP sequence variant interpretation guidelines (Richards et al. 2015 PMID: 25741868, with internal and published modifications).

NM_207361.6(FREM2):c.1854C>G (p.Pro618=)

Gene: FREM2 (FRAS1 related extracellular matrix 2; plus strand). Cytogenetic location: 13q13.3.
Variant type: single nucleotide variant.
Coding change: c.1854C>G on transcript NM_207361.6 (MANE Select); coding-DNA position 1854, C replaced by G.
Protein change: p.Pro618=; no amino-acid change (proline 618 retained).
Molecular consequence: synonymous variant.
Genome position (GRCh38, 1-based): chr13:38,689,198, C>G. VCF-style: chr13-38689198-C-G. GRCh37 (hg19) VCF-style: chr13-39263335-C-G.
Other names: c.1854C>G (NM_207361.5).
Identifiers: ClinVar variation 2765706 (VCV002765706.5), dbSNP rs752479278, ClinGen allele CA483427564.